The following is an entry in ClinVar:

NM_002755.4(MAP2K1):c.1022+3A>G

Gene: MAP2K1 (mitogen-activated protein kinase kinase 1; plus strand). Cytogenetic location: 15q22.31.
Variant type: single nucleotide variant.
Coding change: c.1022+3A>G on transcript NM_002755.4 (MANE Select); 3 bases into the intron after coding-DNA position 1022, A replaced by G.
Molecular consequence: intron variant.
Genome position (GRCh38, 1-based): chr15:66,489,279, A>G. VCF-style: chr15-66489279-A-G. GRCh37 (hg19) VCF-style: chr15-66781617-A-G.
Other names: c.878+3A>G (NM_001411065.1).
Identifiers: ClinVar variation 3642734 (VCV003642734.2).

ClinVar aggregate classification (germline): Uncertain significance (1 of 4 stars; one submission).

Conditions:
RASopathy. Also called: Noonan spectrum disorder; rasopathies. Identifiers: Orphanet 536391, MedGen C5555857, MONDO:0021060.

Submission:

Labcorp Genetics (formerly Invitae), Labcorp
Classification: Uncertain significance for RASopathy. Last evaluated: 2024-02-23. Review status: criteria provided, single submitter. Criteria: Invitae Variant Classification Sherloc (09022015). Collection method: clinical testing. Allele origin: germline.
Comment: This sequence change falls in intron 9 of the MAP2K1 gene. It does not directly change the encoded amino acid sequence of the MAP2K1 protein. It affects a nucleotide within the consensus splice site. This variant is not present in population databases (gnomAD no frequency). This variant has not been reported in the literature in individuals affected with MAP2K1-related conditions. Variants that disrupt the consensus splice site are a relatively common cause of aberrant splicing (PMID: 17576681, 9536098). Algorithms developed to predict the effect of sequence changes on RNA splicing suggest that this variant is not likely to affect RNA splicing. In summary, the available evidence is currently insufficient to determine the role of this variant in disease. Therefore, it has been classified as a Variant of Uncertain Significance.

Literature cited by the submitters: PubMed 17576681; PubMed 9536098.